The following is an entry in ClinVar:

ClinVar aggregate classification (germline): Uncertain significance (1 of 4 stars; one submission).

Submission:

GeneDx
Classification: Uncertain significance. Last evaluated: 2021-03-08. Review status: criteria provided, single submitter. Criteria: GeneDx Variant Classification Process June 2021. Collection method: clinical testing. Allele origin: germline. Affected: yes.
Comment: Not observed in large population cohorts (Lek et al., 2016); In silico analysis, which includes protein predictors and evolutionary conservation, supports a deleterious effect; In addition, in silico splice predictors support a deleterious effect; Has not been previously published as pathogenic or benign to our knowledge

NM_138395.4(MARS2):c.368A>T (p.Gln123Leu)

Gene: MARS2 (methionyl-tRNA synthetase 2, mitochondrial; plus strand). Cytogenetic location: 2q33.1.
Variant type: single nucleotide variant.
Coding change: c.368A>T on transcript NM_138395.4 (MANE Select); coding-DNA position 368, A replaced by T.
Protein change: p.Gln123Leu; replaces glutamine 123 with leucine.
Molecular consequence: missense variant.
Genome position (GRCh38, 1-based): chr2:197,705,773, A>T. VCF-style: chr2-197705773-A-T. GRCh37 (hg19) VCF-style: chr2-198570497-A-T.
Other names: short protein forms Q123L.
Identifiers: ClinVar variation 1315819 (VCV001315819.2), dbSNP rs2106292691, ClinGen allele CA350212037.